The following is an entry in ClinVar:

ClinVar aggregate classification (germline): Uncertain significance (1 of 4 stars; one submission).

Submission:

Labcorp Genetics (formerly Invitae), Labcorp
Classification: Uncertain significance. Last evaluated: 2022-09-23. Review status: criteria provided, single submitter. Criteria: Invitae Variant Classification Sherloc (09022015). Collection method: clinical testing. Allele origin: germline.
Comment: This sequence change replaces lysine, which is basic and polar, with arginine, which is basic and polar, at codon 32 of the PAFAH1B1 protein (p.Lys32Arg). This variant is not present in population databases (gnomAD no frequency). This variant has not been reported in the literature in individuals affected with PAFAH1B1-related conditions. Algorithms developed to predict the effect of missense changes on protein structure and function (SIFT, PolyPhen-2, Align-GVGD) all suggest that this variant is likely to be tolerated. In summary, the available evidence is currently insufficient to determine the role of this variant in disease. Therefore, it has been classified as a Variant of Uncertain Significance.

NM_000430.4(PAFAH1B1):c.95A>G (p.Lys32Arg)

Gene: PAFAH1B1 (platelet activating factor acetylhydrolase 1b regulatory subunit 1; plus strand). Cytogenetic location: 17p13.3.
Variant type: single nucleotide variant.
Coding change: c.95A>G on transcript NM_000430.4 (MANE Select); coding-DNA position 95, A replaced by G.
Protein change: p.Lys32Arg; replaces lysine 32 with arginine.
Molecular consequence: missense variant.
Genome position (GRCh38, 1-based): chr17:2,665,434, A>G. VCF-style: chr17-2665434-A-G. GRCh37 (hg19) VCF-style: chr17-2568728-A-G.
Other names: short protein forms K32R.
Identifiers: ClinVar variation 1719796 (VCV001719796.5), dbSNP rs2544086053, ClinGen allele CA397638125.